The following is an entry in ClinVar:

ClinVar aggregate classification (germline): Uncertain significance. Review status: criteria provided, multiple submitters, no conflicts (2 of 4 stars). 2 submissions from 2 submitters: Uncertain significance (2). Last evaluated 2025-10-24.

Conditions:
Inborn genetic diseases. Identifiers: MedGen C0950123, MeSH D030342.

Submissions (2):

Ambry Genetics
Classification: Uncertain significance for Inborn genetic diseases. Last evaluated: 2025-10-24. Review status: criteria provided, single submitter. Criteria: Ambry Variant Classification Scheme 2023. Collection method: clinical testing. Allele origin: germline.

GeneDx
Classification: Uncertain significance. Last evaluated: 2024-10-31. Review status: criteria provided, single submitter. Criteria: GeneDx Variant Classification Process June 2021. Collection method: clinical testing. Allele origin: germline. Affected: yes.
Comment: In silico analysis indicates that this missense variant does not alter protein structure/function; Has not been previously published as pathogenic or benign to our knowledge

NM_004667.6(HERC2):c.7265C>T (p.Ser2422Leu)

Gene: HERC2 (HECT and RLD domain containing E3 ubiquitin protein ligase 2; minus strand). Cytogenetic location: 15q13.1.
Variant type: single nucleotide variant.
Coding change: c.7265C>T on transcript NM_004667.6 (MANE Select); coding-DNA position 7265, C replaced by T.
Protein change: p.Ser2422Leu; replaces serine 2422 with leucine.
Molecular consequence: missense variant.
Genome position (GRCh38, 1-based): chr15:28,202,562, G>A on the plus strand (C>T on the coding strand, the complement: HERC2 is on the minus strand). VCF-style: chr15-28202562-G-A. GRCh37 (hg19) VCF-style: chr15-28447708-G-A.
Other names: c.7265C>T (NM_004667.4); short protein forms S2422L.
Identifiers: ClinVar variation 3897396 (VCV003897396.2).